The following is an entry in ClinVar:

NM_001267550.2(TTN):c.9402C>A (p.Asn3134Lys)

Gene: TTN (titin; minus strand). Cytogenetic location: 2q31.2.
Variant type: single nucleotide variant.
Coding change: c.9402C>A on transcript NM_001267550.2 (MANE Select); coding-DNA position 9402, C replaced by A.
Protein change: p.Asn3134Lys; replaces asparagine 3134 with lysine.
Molecular consequence: missense variant.
Genome position (GRCh38, 1-based): chr2:178,767,828, G>T on the plus strand (C>A on the coding strand, the complement: TTN is on the minus strand). VCF-style: chr2-178767828-G-T. GRCh37 (hg19) VCF-style: chr2-179632555-G-T.
Other names: c.9402C>A, p.Asn3134Lys (NM_001256850.1, NM_133378.4, NM_133379.5); c.9264C>A, p.Asn3088Lys (NM_003319.4, NM_133432.3, NM_133437.4); short protein forms N3088K, N3134K.
Identifiers: ClinVar variation 1306343 (VCV001306343.3), dbSNP rs587780987, ClinGen allele CA349675244.
Genomic context (GRCh38, chr2:178,767,828, plus strand): 5'-CTTTTTAATACTTCGGATGCGAACATCTCTGCCTTCTACAAAGAGTTTTGCAGTTGACAC[G>T]TTGCCTCCTGCCACCACTGTGTACTTCCCAGCATCAGACATCCGGGTGGATGGGATCAGA-3'
Protein context (NP_001254479.2, residues 3124-3144): AGKYTVVAGG[Asn3134Lys]VSTAKLFVEG

ClinVar aggregate classification (germline): Conflicting classifications of pathogenicity. Review status: criteria provided, conflicting classifications (1 of 4 stars). 2 submissions from 2 submitters: Uncertain significance (1); Likely benign (1). Last evaluated 2026-09-21.

gnomAD v4.1: 2 of 1,614,096 alleles (0.00012%); highest among the groups gnomAD compares: Non-Finnish European, 0.00017%; no homozygotes.

Submissions (2):

Molecular Diagnostic Laboratory for Inherited Cardiovascular Disease, Montreal Heart Institute
Classification: Likely benign. Last evaluated: 2026-09-21. Review status: criteria provided, single submitter. Criteria: ACMG Guidelines, 2015. Collection method: clinical testing. Allele origin: germline. Affected: no.

GeneDx
Classification: Uncertain significance. Last evaluated: 2019-03-22. Review status: criteria provided, single submitter. Criteria: GeneDx Variant Classification Process June 2021. Collection method: clinical testing. Allele origin: germline. Affected: yes.
Comment: Not observed in large population cohorts (Lek et al., 2016); Missense variant in a gene in which most reported pathogenic variants are truncating/loss-of-function; Has not been previously published as pathogenic or benign to our knowledge